The following is an entry in ClinVar:

ClinVar aggregate classification (germline): Uncertain significance (1 of 4 stars; one submission).

Conditions:
Tuberous sclerosis 1 (TSC1). Identifiers: Orphanet 805, MedGen C1854465, MONDO:0008612, OMIM 191100.

Submission:

Labcorp Genetics (formerly Invitae), Labcorp
Classification: Uncertain significance for Tuberous sclerosis 1. Last evaluated: 2020-02-20. Review status: criteria provided, single submitter. Criteria: Invitae Variant Classification Sherloc (09022015). Collection method: clinical testing. Allele origin: germline.
Comment: In summary, the available evidence is currently insufficient to determine the role of this variant in disease. Therefore, it has been classified as a Variant of Uncertain Significance. Algorithms developed to predict the effect of missense changes on protein structure and function are either unavailable or do not agree on the potential impact of this missense change (SIFT: "Deleterious"; PolyPhen-2: "Probably Damaging"; Align-GVGD: "Class C0"). This variant has not been reported in the literature in individuals with TSC1-related conditions. This variant is not present in population databases (ExAC no frequency). This sequence change replaces leucine with phenylalanine at codon 92 of the TSC1 protein (p.Leu92Phe). The leucine residue is highly conserved and there is a small physicochemical difference between leucine and phenylalanine.

NM_000368.5(TSC1):c.276A>C (p.Leu92Phe)

Gene: TSC1 (TSC complex subunit 1; minus strand). Cytogenetic location: 9q34.13.
Variant type: single nucleotide variant.
Coding change: c.276A>C on transcript NM_000368.5 (MANE Select); coding-DNA position 276, A replaced by C.
Protein change: p.Leu92Phe; replaces leucine 92 with phenylalanine.
Molecular consequence: missense variant. On other transcripts: 5 prime UTR variant (1), intron variant (1).
Genome position (GRCh38, 1-based): chr9:132,925,674, T>G on the plus strand (A>C on the coding strand, the complement: TSC1 is on the minus strand). VCF-style: chr9-132925674-T-G. GRCh37 (hg19) VCF-style: chr9-135801061-T-G.
Other names: c.276A>C, p.Leu92Phe (NM_001162426.2); c.-88A>C (NM_001362177.2); c.210+1527A>C (NM_001162427.2); short protein forms L92F.
Identifiers: ClinVar variation 1047094 (VCV001047094.9), dbSNP rs1846814862, ClinGen allele CA375374618.